The following is an entry in ClinVar:

NM_024809.5(TCTN2):c.487C>T (p.Gln163Ter)

Gene: TCTN2 (tectonic family member 2; plus strand). Cytogenetic location: 12q24.31.
Variant type: single nucleotide variant.
Coding change: c.487C>T on transcript NM_024809.5 (MANE Select); coding-DNA position 487, C replaced by T.
Protein change: p.Gln163Ter; replaces glutamine 163 with a stop codon.
Molecular consequence: nonsense.
Genome position (GRCh38, 1-based): chr12:123,679,212, C>T. VCF-style: chr12-123679212-C-T. GRCh37 (hg19) VCF-style: chr12-124163759-C-T.
Other names: c.487C>T, p.Gln163Ter (NM_001410989.1); c.484C>T, p.Gln162Ter (NM_001143850.3); short protein forms Q162*, Q163*.
Identifiers: ClinVar variation 2162181 (VCV002162181.5), dbSNP rs1306876740, ClinGen allele CA387159306.

ClinVar aggregate classification (germline): Pathogenic/Likely pathogenic. Review status: criteria provided, multiple submitters, no conflicts (2 of 4 stars). 2 submissions from 2 submitters: Pathogenic (1); Likely pathogenic (1). Last evaluated 2022-10-04.

Conditions:
Joubert syndrome. Also called: Familial aplasia of the vermis; JOUBERT-BOLTSHAUSER SYNDROME. Identifiers: Orphanet 475, MedGen C5979921, MONDO:0018772.
Meckel-Gruber syndrome. Also called: Dysencephalia splachnocystica; DYSENCEPHALIA SPLANCHNOCYSTICA; GRUBER SYNDROME. Identifiers: Orphanet 564, MedGen C0265215, MONDO:0018921.
TCTN2-related disorder. Also called: TCTN2-related disorders; TCTN2-related condition. Identifiers: MedGen CN239412.

Allele frequency attached by ClinVar (database versions not stated): gnomAD exomes below 0.00001.

Submissions (2):

Labcorp Genetics (formerly Invitae), Labcorp
Classification: Pathogenic for Joubert syndrome; Meckel-Gruber syndrome. Last evaluated: 2022-10-04. Review status: criteria provided, single submitter. Criteria: Invitae Variant Classification Sherloc (09022015). Collection method: clinical testing. Allele origin: germline.
Comment: For these reasons, this variant has been classified as Pathogenic. Algorithms developed to predict the effect of sequence changes on RNA splicing suggest that this variant may disrupt the consensus splice site. This variant has not been reported in the literature in individuals affected with TCTN2-related conditions. This variant is present in population databases (no rsID available, gnomAD 0.0009%). This sequence change creates a premature translational stop signal (p.Gln163*) in the TCTN2 gene. It is expected to result in an absent or disrupted protein product. Loss-of-function variants in TCTN2 are known to be pathogenic (PMID: 21565611).

Blueprint Genetics
Classification: Likely pathogenic for TCTN2-related disorders. Last evaluated: 2021-10-29. Review status: criteria provided, single submitter. Criteria: ACMG Guidelines, 2015. Collection method: clinical testing. Allele origin: germline. Affected: yes. Observed: 2 variant alleles.

Literature cited by the submitters: PubMed 21565611 (cited by Labcorp Genetics (formerly Invitae), Labcorp).